The following is an entry in ClinVar:

NM_000492.4(CFTR):c.1307T>C (p.Leu436Pro)

Genes: CFTR-AS1 (CFTR antisense RNA 1; minus strand), CFTR (CF transmembrane conductance regulator; plus strand). Cytogenetic location: 7q31.2.
Variant type: single nucleotide variant.
Coding change: c.1307T>C on transcript NM_000492.4 (MANE Select); coding-DNA position 1307, T replaced by C.
Protein change: p.Leu436Pro; replaces leucine 436 with proline.
Molecular consequence: missense variant.
Genome position (GRCh38, 1-based): chr7:117,548,738, T>C. VCF-style: chr7-117548738-T-C. GRCh37 (hg19) VCF-style: chr7-117188792-T-C.
Other names: short protein forms L436P.
Identifiers: ClinVar variation 495895 (VCV000495895.3), dbSNP rs1554382639, ClinGen allele CA368981865.
Genomic context (GRCh38, chr7:117,548,738, plus strand): 5'-ATAACAATAGAAAAACTTCTAATGGTGATGACAGCCTCTTCTTCAGTAATTTCTCACTTC[T>C]TGGTACTCCTGTCCTGAAAGATATTAATTTCAAGATAGAAAGAGGACAGTTGTTGGCGGT-3'
Protein context (NP_000483.3, residues 426-446): DSLFFSNFSL[Leu436Pro]GTPVLKDINF

ClinVar aggregate classification (germline): Uncertain significance. Review status: criteria provided, multiple submitters, no conflicts (2 of 4 stars). 2 submissions from 2 submitters: Uncertain significance (2). Last evaluated 2024-09-30.

Conditions:
Cystic fibrosis (CF). Also called: MUCOVISCIDOSIS. Identifiers: Orphanet 586, MedGen C0010674, MONDO:0009061, OMIM 219700. Disease mechanism: loss of function.

Allele frequency attached by ClinVar (database versions not stated): TOPMed below 0.00001.

Submissions (2):

Ambry Genetics
Classification: Uncertain significance for Cystic fibrosis. Last evaluated: 2024-09-30. Review status: criteria provided, single submitter. Criteria: Ambry Variant Classification Scheme 2023. Collection method: clinical testing. Allele origin: germline.
Comment: The p.L436P variant (also known as c.1307T>C), located in coding exon 10 of the CFTR gene, results from a T to C substitution at nucleotide position 1307. The leucine at codon 436 is replaced by proline, an amino acid with similar properties. This amino acid position is conserved. In addition, the in silico prediction for this alteration is inconclusive. Based on the available evidence, the clinical significance of this variant remains unclear.

Women's Health and Genetics/Laboratory Corporation of America, LabCorp
Classification: Uncertain significance. Last evaluated: 2019-11-08. Review status: criteria provided, single submitter. Criteria: LabCorp Variant Classification Summary - May 2015. Collection method: clinical testing. Allele origin: germline.
Comment: Variant summary: CFTR c.1307T>C (p.Leu436Pro) results in a non-conservative amino acid change located in the ABC transporter-like domain (IPR003439) of the encoded protein sequence. Three of five in-silico tools predict a damaging effect of the variant on protein function. The variant was absent in 244522 control chromosomes (gnomAD). The available data on variant occurrences in the general population are insufficient to allow any conclusion about variant significance. To our knowledge, no occurrence of c.1307T>C in individuals affected with Chronic Pancreatitis Risk and no experimental evidence demonstrating its impact on protein function have been reported. No clinical diagnostic laboratories have submitted clinical-significance assessments for this variant to ClinVar after 2014. Based on the evidence outlined above, the variant was classified as uncertain significance.